The following is an entry in ClinVar:

ClinVar aggregate classification (germline): Uncertain significance (1 of 4 stars; one submission).

Conditions:
Autosomal dominant hypocalcemia 1 (HYPOC1). Also called: HYPOCALCEMIA, FAMILIAL. Identifiers: MedGen C3715128, MONDO:0011013, OMIM 601198.
Familial hypocalciuric hypercalcemia (FHH). Also called: Familial benign hypercalcemia. Identifiers: Orphanet 405, MedGen C1809471, MONDO:0018458.

Submission:

Labcorp Genetics (formerly Invitae), Labcorp
Classification: Uncertain significance for Familial hypocalciuric hypercalcemia; Autosomal dominant hypocalcemia 1. Last evaluated: 2025-09-27. Review status: criteria provided, single submitter. Criteria: Invitae Variant Classification Sherloc (09022015). Collection method: clinical testing. Allele origin: germline.
Comment: This sequence change replaces valine, which is neutral and non-polar, with alanine, which is neutral and non-polar, at codon 697 of the CASR protein (p.Val697Ala). This variant is not present in population databases (gnomAD no frequency). This variant has not been reported in the literature in individuals affected with CASR-related conditions. An algorithm developed to predict the effect of missense changes on protein structure and function (PolyPhen-2) suggests that this variant is likely to be disruptive. In summary, the available evidence is currently insufficient to determine the role of this variant in disease. Therefore, it has been classified as a Variant of Uncertain Significance.

NM_000388.4(CASR):c.2090T>C (p.Val697Ala)

Gene: CASR (calcium sensing receptor; plus strand). Cytogenetic location: 3q21.1.
Variant type: single nucleotide variant.
Coding change: c.2090T>C on transcript NM_000388.4 (MANE Select); coding-DNA position 2090, T replaced by C.
Protein change: p.Val697Ala; replaces valine 697 with alanine.
Molecular consequence: missense variant.
Genome position (GRCh38, 1-based): chr3:122,284,044, T>C. VCF-style: chr3-122284044-T-C. GRCh37 (hg19) VCF-style: chr3-122002891-T-C.
Other names: c.2120T>C, p.Val707Ala (NM_001178065.2); short protein forms V697A, V707A.
Identifiers: ClinVar variation 4786237 (VCV004786237.1).
Genomic context (GRCh38, chr3:122,284,044, plus strand): 5'-GCCGCCTGCGCCAGCCGGCCTTTGGCATCAGCTTCGTGCTCTGCATCTCATGCATCCTGG[T>C]GAAAACCAACCGTGTCCTCCTGGTGTTTGAGGCCAAGATCCCCACCAGCTTCCACCGCAA-3'
Protein context (NP_000379.3, residues 687-707): SFVLCISCIL[Val697Ala]KTNRVLLVFE